The following is an entry in ClinVar:

NM_199420.4(POLQ):c.3451A>G (p.Thr1151Ala)

Gene: POLQ (DNA polymerase theta; minus strand). Cytogenetic location: 3q13.33.
Variant type: single nucleotide variant.
Coding change: c.3451A>G on transcript NM_199420.4 (MANE Select); coding-DNA position 3451, A replaced by G.
Protein change: p.Thr1151Ala; replaces threonine 1151 with alanine.
Molecular consequence: missense variant.
Genome position (GRCh38, 1-based): chr3:121,489,480, T>C on the plus strand (A>G on the coding strand, the complement: POLQ is on the minus strand). VCF-style: chr3-121489480-T-C. GRCh37 (hg19) VCF-style: chr3-121208327-T-C.
Other names: short protein forms T1151A.
Identifiers: ClinVar variation 3308617 (VCV003308617.1).
Genomic context (GRCh38, chr3:121,489,480, plus strand): 5'-CTTCATTTATTTTTTCTGCCTCAACAGCTACTCCTCTGCCCTTTTCACTAACCACACTAG[T>C]GGCCTGACAAGTCACATTTTTACTCTGAGATCCTGTGACAATATGCTCCACAAAATTATC-3'
Protein context (NP_955452.3, residues 1141-1161): SQSKNVTCQA[Thr1151Ala]SVVSEKGRGV

ClinVar aggregate classification (germline): Uncertain significance (1 of 4 stars; one submission).

Submission:

Ambry Genetics
Classification: Uncertain significance. Last evaluated: 2024-04-04. Review status: criteria provided, single submitter. Criteria: Ambry Variant Classification Scheme 2023. Collection method: clinical testing. Allele origin: germline.
Comment: The p.T1151A variant (also known as c.3451A>G), located in coding exon 16 of the POLQ gene, results from an A to G substitution at nucleotide position 3451. The threonine at codon 1151 is replaced by alanine, an amino acid with similar properties. This amino acid position is conserved. In addition, this alteration is predicted to be tolerated by in silico analysis. Based on the available evidence, the clinical significance of this variant remains unclear.